The following is an entry in ClinVar:

NM_000455.5(STK11):c.794A>G (p.Glu265Gly)

Gene: STK11 (serine/threonine kinase 11; plus strand). Cytogenetic location: 19p13.3.
Variant type: single nucleotide variant.
Coding change: c.794A>G on transcript NM_000455.5 (MANE Select); coding-DNA position 794, A replaced by G.
Protein change: p.Glu265Gly; replaces glutamic acid 265 with glycine.
Molecular consequence: missense variant.
Genome position (GRCh38, 1-based): chr19:1,221,272, A>G. VCF-style: chr19-1221272-A-G. GRCh37 (hg19) VCF-style: chr19-1221271-A-G.
Other names: c.794A>G, p.Glu265Gly (NM_001407255.1); short protein forms E265G.
Identifiers: ClinVar variation 1761349 (VCV001761349.2), dbSNP rs2145426998, ClinGen allele CA402950528.

ClinVar aggregate classification (germline): Uncertain significance (1 of 4 stars; one submission).

Conditions:
Hereditary cancer-predisposing syndrome. Also called: Neoplastic Syndromes, Hereditary; Tumor predisposition; Hereditary Cancer Syndrome; Hereditary neoplastic syndrome. Identifiers: Orphanet 140162, MedGen C0027672, MeSH D009386, MONDO:0015356.

Submission:

Ambry Genetics
Classification: Uncertain significance for Hereditary cancer-predisposing syndrome. Last evaluated: 2020-05-27. Review status: criteria provided, single submitter. Criteria: Ambry Variant Classification Scheme 2023. Collection method: clinical testing. Allele origin: germline.
Comment: The p.E265G variant (also known as c.794A>G), located in coding exon 6 of the STK11 gene, results from an A to G substitution at nucleotide position 794. The glutamic acid at codon 265 is replaced by glycine, an amino acid with similar properties. This amino acid position is highly conserved in available vertebrate species. In addition, the in silico prediction for this alteration is inconclusive. Since supporting evidence is limited at this time, the clinical significance of this alteration remains unclear.

Literature cited by the submitters: PubMed 29698444.